The following is an entry in ClinVar:

ClinVar aggregate classification (germline): Uncertain significance. Review status: criteria provided, multiple submitters, no conflicts (2 of 4 stars). 2 submissions from 2 submitters: Uncertain significance (2). Last evaluated 2025-08-29.

Conditions:
Hereditary cancer-predisposing syndrome. Also called: Tumor predisposition; Hereditary neoplastic syndrome; Neoplastic Syndromes, Hereditary; Hereditary Cancer Syndrome. Identifiers: Orphanet 140162, MedGen C0027672, MeSH D009386, MONDO:0015356.
Gastrointestinal stromal tumor. Also called: Gastrointestinal stroma tumor; Gastrointestinal stromal tumor, somatic. Identifiers: Orphanet 44890, MedGen C0238198, MeSH D046152, MONDO:0011719, OMIM 606764, HP:0100723.

Allele frequency attached by ClinVar (database versions not stated): gnomAD exomes below 0.00001.
gnomAD v4.1: 2 of 1,613,782 alleles (0.00012%); highest among the groups gnomAD compares: Non-Finnish European, 0.00017%; no homozygotes.

Submissions (2):

Labcorp Genetics (formerly Invitae), Labcorp
Classification: Uncertain significance for Gastrointestinal stromal tumor. Last evaluated: 2025-08-29. Review status: criteria provided, single submitter. Criteria: Invitae Variant Classification Sherloc (09022015). Collection method: clinical testing. Allele origin: germline.
Comment: This sequence change replaces asparagine, which is neutral and polar, with aspartic acid, which is acidic and polar, at codon 250 of the KIT protein (p.Asn250Asp). This variant is not present in population databases (gnomAD no frequency). This variant has not been reported in the literature in individuals affected with KIT-related conditions. ClinVar contains an entry for this variant (Variation ID: 458964). An algorithm developed to predict the effect of missense changes on protein structure and function (PolyPhen-2) suggests that this variant is likely to be tolerated. In summary, the available evidence is currently insufficient to determine the role of this variant in disease. Therefore, it has been classified as a Variant of Uncertain Significance.

Ambry Genetics
Classification: Uncertain significance for Hereditary cancer-predisposing syndrome. Last evaluated: 2025-08-21. Review status: criteria provided, single submitter. Criteria: Ambry Variant Classification Scheme 2023. Collection method: clinical testing. Allele origin: germline.
Comment: The p.N250D variant (also known as c.748A>G), located in coding exon 4 of the KIT gene, results from an A to G substitution at nucleotide position 748. The asparagine at codon 250 is replaced by aspartic acid, an amino acid with highly similar properties. This amino acid position is conserved. In addition, this alteration is predicted to be tolerated by in silico analysis. Based on the available evidence, the clinical significance of this variant remains unclear.

NM_000222.3(KIT):c.748A>G (p.Asn250Asp)

Gene: KIT (KIT proto-oncogene, receptor tyrosine kinase; plus strand). Cytogenetic location: 4q12.
Variant type: single nucleotide variant.
Coding change: c.748A>G on transcript NM_000222.3 (MANE Select); coding-DNA position 748, A replaced by G.
Protein change: p.Asn250Asp; replaces asparagine 250 with aspartic acid.
Molecular consequence: missense variant.
Genome position (GRCh38, 1-based): chr4:54,699,758, A>G. VCF-style: chr4-54699758-A-G. GRCh37 (hg19) VCF-style: chr4-55565924-A-G.
Other names: c.748A>G, p.Asn250Asp (NM_001093772.2, NM_001385284.1, NM_001385285.1 and 4 more transcripts); short protein forms N250D.
Identifiers: ClinVar variation 458964 (VCV000458964.10), dbSNP rs1553887953, ClinGen allele CA356898660.